The following is an entry in ClinVar:

ClinVar aggregate classification (germline): Conflicting classifications of pathogenicity. Review status: criteria provided, conflicting classifications (1 of 4 stars). 8 submissions from 8 submitters: Uncertain significance (4); Likely benign (2). 2 of the submissions do not count toward it. Last evaluated 2026-09-21.

Conditions:
HCN4-related disorder. Also called: HCN4-related condition.
Cardiovascular phenotype. Identifiers: MedGen CN230736.
Brugada syndrome 8 (BRGDA8). Identifiers: Orphanet 130, MedGen C2751083, MONDO:0013148, OMIM 613123.

Allele frequency attached by ClinVar (database versions not stated): ExAC 0.00003; gnomAD 0.00008 and 0.00007; TOPMed 0.00015.
gnomAD v4.1: 94 of 1,608,048 alleles (0.0058%); highest among the groups gnomAD compares: Admixed American, 0.02%; no homozygotes.

Submissions (8):

Molecular Diagnostic Laboratory for Inherited Cardiovascular Disease, Montreal Heart Institute
Classification: Likely benign. Last evaluated: 2026-09-21. Review status: criteria provided, single submitter. Criteria: ACMG Guidelines, 2015. Collection method: clinical testing. Allele origin: germline. Affected: no.
Comment: BS1;BP4

Labcorp Genetics (formerly Invitae), Labcorp
Classification: Uncertain significance for Brugada syndrome 8. Last evaluated: 2026-01-26. Review status: criteria provided, single submitter. Criteria: Invitae Variant Classification Sherloc (09022015). Collection method: clinical testing. Allele origin: germline.
Comment: This sequence change replaces proline, which is neutral and non-polar, with leucine, which is neutral and non-polar, at codon 890 of the HCN4 protein (p.Pro890Leu). This variant is present in population databases (rs758929649, gnomAD 0.005%). This variant has not been reported in the literature in individuals affected with HCN4-related conditions. ClinVar contains an entry for this variant (Variation ID: 538081). Invitae Evidence Modeling of protein sequence and biophysical properties (such as structural, functional, and spatial information, amino acid conservation, physicochemical variation, residue mobility, and thermodynamic stability) indicates that this missense variant is not expected to disrupt HCN4 protein function with a negative predictive value of 95%. In summary, the available evidence is currently insufficient to determine the role of this variant in disease. Therefore, it has been classified as a Variant of Uncertain Significance.

GeneDx
Classification: Uncertain significance. Last evaluated: 2026-01-21. Review status: criteria provided, single submitter. Criteria: GeneDx Variant Classification Process June 2021. Collection method: clinical testing. Allele origin: germline. Affected: yes.
Comment: Has not been previously published as pathogenic or benign to our knowledge; In silico analysis suggests that this missense variant does not alter protein structure/function

Blueprint Genetics
Classification: Likely benign. Last evaluated: 2024-10-02. Review status: criteria provided, single submitter. Criteria: ACMG Guidelines, 2015. Collection method: clinical testing. Allele origin: germline.

PreventionGenetics, part of Exact Sciences
Classification: Uncertain significance for HCN4-related condition. Last evaluated: 2023-09-24. Review status: criteria provided, single submitter. Criteria: ACMG Guidelines, 2015. Collection method: clinical testing. Allele origin: germline.
Comment: The HCN4 c.2669C>T variant is predicted to result in the amino acid substitution p.Pro890Leu. To our knowledge, this variant has not been reported in the literature. This variant is reported in 0.0044% of alleles in individuals of European (Finnish) descent in gnomAD. At this time, the clinical significance of this variant is uncertain due to the absence of conclusive functional and genetic evidence.

Ambry Genetics
Classification: Uncertain significance for Cardiovascular phenotype. Last evaluated: 2022-12-17. Review status: criteria provided, single submitter. Criteria: Ambry Variant Classification Scheme 2023. Collection method: clinical testing. Allele origin: germline.
Comment: The p.P890L variant (also known as c.2669C>T), located in coding exon 8 of the HCN4 gene, results from a C to T substitution at nucleotide position 2669. The proline at codon 890 is replaced by leucine, an amino acid with similar properties. This amino acid position is not well conserved in available vertebrate species, and leucine is the reference amino acid in other vertebrate species. In addition, this alteration is predicted to be tolerated by in silico analysis. Since supporting evidence is limited at this time, the clinical significance of this alteration remains unclear.

Clinical Genetics DNA and cytogenetics Diagnostics Lab, Erasmus MC, Erasmus Medical Center
Classification: Uncertain significance. Review status: no assertion criteria provided. Collection method: clinical testing. Allele origin: germline. Affected: yes. Study: VKGL Data-share Consensus. Not counted in ClinVar's aggregate classification.

Clinical Genetics, Academic Medical Center
Classification: Uncertain significance. Review status: no assertion criteria provided. Collection method: clinical testing. Allele origin: germline. Affected: yes. Study: VKGL Data-share Consensus. Not counted in ClinVar's aggregate classification.

NM_005477.3(HCN4):c.2669C>T (p.Pro890Leu)

Gene: HCN4 (hyperpolarization activated cyclic nucleotide gated potassium channel 4; minus strand). Cytogenetic location: 15q24.1.
Variant type: single nucleotide variant.
Coding change: c.2669C>T on transcript NM_005477.3 (MANE Select); coding-DNA position 2669, C replaced by T.
Protein change: p.Pro890Leu; replaces proline 890 with leucine.
Molecular consequence: missense variant.
Genome position (GRCh38, 1-based): chr15:73,323,424, G>A on the plus strand (C>T on the coding strand, the complement: HCN4 is on the minus strand). VCF-style: chr15-73323424-G-A. GRCh37 (hg19) VCF-style: chr15-73615765-G-A.
Other names: short protein forms P890L.
Identifiers: ClinVar variation 538081 (VCV000538081.23), dbSNP rs758929649, ClinGen allele CA7648974.
Genomic context (GRCh38, chr15:73,323,424, plus strand): 5'-AAGTGGCCAAACCCGGCTATGGTGGTGGCGGCTACGCCAGCTGATGGTGTGGGAGCCGAG[G>A]GGGAGCCACAGGCCCCGGGGGGTGGGGAGGAGCTGGATGAGGGCAGGAGTGGGCTCAGTC-3'
Protein context (NP_005468.1, residues 880-900): SSPPPGACGS[Pro890Leu]SAPTPSAGVA